The following is an entry in ClinVar:

ClinVar aggregate classification (germline): Uncertain significance (1 of 4 stars; one submission).

Submission:

GeneDx
Classification: Uncertain significance. Last evaluated: 2021-03-30. Review status: criteria provided, single submitter. Criteria: GeneDx Variant Classification Process June 2021. Collection method: clinical testing. Allele origin: germline. Affected: yes.
Comment: Has not been previously published as pathogenic or benign to our knowledge; Not observed in large population cohorts (Lek et al., 2016); Canonical splice site variant in a gene for which loss-of-function is not a known mechanism of disease

NM_015141.4(GPD1L):c.225_225+2del

Gene: GPD1L (glycerol-3-phosphate dehydrogenase 1 like; plus strand). Cytogenetic location: 3p22.3.
Variant type: Deletion.
Coding change: c.225_225+2del on transcript NM_015141.4 (MANE Select); coding-DNA position 225 through the canonical splice donor site of the intron after coding-DNA position 225, 3 bases deleted (GGT; older notation c.225_225+2delGGT).
Molecular consequence: splice donor variant.
Genome position (GRCh38, 1-based): chr3:32,128,253-32,128,255, GGT deleted; deleting any 3 consecutive bases within chr3:32,128,251-32,128,255 gives the same sequence; the c. name uses the placement nearest the transcript's 3' end. VCF-style (leftmost placement, unchanged base first): chr3-32128250-TGTG-T. GRCh37 (hg19) VCF-style: chr3-32169742-TGTG-T.
Identifiers: ClinVar variation 1311331 (VCV001311331.2), dbSNP rs2125478753, ClinGen allele CA2573052139.